The following is an entry in ClinVar:

NC_000011.9:g.(108225602_108235808)_(108239827_?)del

Gene: ATM (ATM serine/threonine kinase; plus strand). Cytogenetic location: 11q22.3.
Variant type: Deletion.
Identifiers: ClinVar variation 1217268 (VCV001217268.2).

ClinVar aggregate classification (germline): Pathogenic (1 of 4 stars; one submission).

Conditions:
Malignant tumor of breast. Also called: Malignant breast neoplasm; Cancer breast. Identifiers: MedGen C0006142, MONDO:0007254. Disease mechanism: loss of function.

Submission:

Women's Health and Genetics/Laboratory Corporation of America, LabCorp
Classification: Pathogenic for Malignant tumor of breast. Last evaluated: 2021-08-23. Review status: criteria provided, single submitter. Criteria: LabCorp Variant Classification Summary - May 2015. Collection method: clinical testing. Allele origin: germline.
Comment: Variant summary: The variant identified by MLPA or other technology involves the deletion of exons 62-63 in the ATM gene. A presumed nomenclature of c.(8850+1_8851-1)_(*3592_?)del has been designated for the purposes of this classification. Although exact breakpoints of this deletion are not known, it is expected to result in the loss of the last 2 exons of the ATM gene. The variant allele was found at a frequency of 0.00019 in 21294 control chromosomes (gnomAD, Structural Variants dataset). Deletion of exons 62-63 (also described as exons 64-65 in earlier publications) has been reported in the literature in multiple individuals affected with Breast Cancer (e.g. Churpek_2015, Susswein_2016, Penkert_2018, Walsh_2021). The variant has also been reported in multiple compound heterozygous and homozygous individuals affected with Ataxia-Telangiectasia (e.g. Broeks_1998, Telatar_1998, Podralska_2014). These data indicate that the variant is very likely to be associated with disease. Three ClinVar submitters (evaluation after 2014) cite the variant as pathogenic. Based on the evidence outlined above, the variant was classified as pathogenic.

Literature cited by the submitters: PubMed 25428789; PubMed 25614872; PubMed 26681312; PubMed 9443866; PubMed 9792409; PubMed 30086788; PubMed 30322717; PubMed 33479248.